The following is an entry in ClinVar:

ClinVar aggregate classification (germline): Conflicting classifications of pathogenicity. Review status: criteria provided, conflicting classifications (1 of 4 stars). 14 submissions from 14 submitters: Uncertain significance (1); Benign (1); Likely benign (8). 4 of the submissions do not count toward it. Last evaluated 2026-06-01.

Conditions:
LAMC3-related disorder. Also called: LAMC3-related condition.
Inborn genetic diseases. Identifiers: MedGen C0950123, MeSH D030342.
Left ventricular noncompaction. Identifiers: Orphanet 54260, MedGen C1960469, MONDO:0018901, HP:0030682.
Occipital pachygyria and polymicrogyria. Identifiers: Orphanet 280640, MedGen C3279875, MONDO:0013583, OMIM 614115.

Allele frequency attached by ClinVar (database versions not stated): 1000 Genomes Project 30x 0.00219; 1000 Genomes Project 0.00220; TOPMed 0.00342; ESP Exome Variant Server 0.00354; ExAC 0.00395.

Submissions (14):

CeGaT Center for Human Genetics Tuebingen
Classification: Likely benign. Last evaluated: 2026-06-01. Review status: criteria provided, single submitter. Criteria: CeGaT Center For Human Genetics Tuebingen Variant Classification Criteria Version 2. Collection method: clinical testing. Allele origin: germline. Affected: yes. Observed: 14 variant alleles.
Comment: LAMC3: BP4, BS2

Labcorp Genetics (formerly Invitae), Labcorp
Classification: Likely benign. Last evaluated: 2026-02-03. Review status: criteria provided, single submitter. Criteria: Invitae Variant Classification Sherloc (09022015). Collection method: clinical testing. Allele origin: germline.

Blueprint Genetics
Classification: Likely benign. Last evaluated: 2024-11-25. Review status: criteria provided, single submitter. Criteria: ACMG Guidelines, 2015. Collection method: clinical testing. Allele origin: germline.

Ambry Genetics
Classification: Likely benign for Inborn genetic diseases. Last evaluated: 2021-11-05. Review status: criteria provided, single submitter. Criteria: Ambry Variant Classification Scheme 2023. Collection method: clinical testing. Allele origin: germline.

GeneDx
Classification: Likely benign. Last evaluated: 2021-01-11. Review status: criteria provided, single submitter. Criteria: GeneDx Variant Classification Process June 2021. Collection method: clinical testing. Allele origin: germline. Affected: yes.

Cambridge Genomics Laboratory, East Genomic Laboratory Hub, NHS Genomic Medicine Service
Classification: Benign for Left ventricular noncompaction. Last evaluated: 2020-02-11. Review status: criteria provided, single submitter. Criteria: ACGS Best Practice Guidelines for Variant Classification in Rare Disease 2020. Collection method: clinical testing. Allele origin: germline. Affected: yes. Observed: 1 variant allele.

Dubai Health Genomic Medicine Center, Dubai Health
Classification: Likely benign. Last evaluated: 2020-01-06. Review status: criteria provided, single submitter. Criteria: ACMG Guidelines, 2015. Collection method: clinical testing. Allele origin: germline. Affected: yes.

Center for Pediatric Genomic Medicine, Children's Mercy Hospital and Clinics
Classification: Likely benign. Last evaluated: 2017-06-06. Review status: criteria provided, single submitter. Criteria: ACMG Guidelines, 2015. Collection method: clinical testing. Allele origin: germline.

Genetic Services Laboratory, University of Chicago
Classification: Likely benign. Last evaluated: 2015-05-15. Review status: criteria provided, single submitter. Criteria: ACMG Guidelines, 2015. Collection method: clinical testing. Allele origin: germline.

Eurofins Ntd Llc (ga)
Classification: Uncertain significance. Last evaluated: 2014-12-05. Review status: criteria provided, single submitter. Criteria: EGL Classification Definitions 2015. Collection method: clinical testing. Allele origin: germline. Observed: 1 variant allele, 1 heterozygote.

PreventionGenetics, part of Exact Sciences
Classification: Likely benign for LAMC3-related condition. Last evaluated: 2022-01-27. Review status: no assertion criteria provided. Collection method: clinical testing. Allele origin: germline. Not counted in ClinVar's aggregate classification.
Comment: This variant is classified as likely benign based on ACMG/AMP sequence variant interpretation guidelines (Richards et al. 2015 PMID: 25741868, with internal and published modifications).

Clinical Genetics DNA and cytogenetics Diagnostics Lab, Erasmus MC, Erasmus Medical Center
Classification: Likely benign. Review status: no assertion criteria provided. Collection method: clinical testing. Allele origin: germline. Affected: yes. Study: VKGL Data-share Consensus. Not counted in ClinVar's aggregate classification.

Diagnostic Laboratory, Department of Genetics, University Medical Center Groningen
Classification: Likely benign for Occipital pachygyria and polymicrogyria. Review status: no assertion criteria provided. Collection method: clinical testing. Allele origin: germline. Affected: yes. Study: VKGL Data-share Consensus. Not counted in ClinVar's aggregate classification.

Genome Diagnostics Laboratory, Amsterdam University Medical Center
Classification: Likely benign. Review status: no assertion criteria provided. Collection method: clinical testing. Allele origin: germline. Affected: yes. Study: VKGL Data-share Consensus. Not counted in ClinVar's aggregate classification.

NM_006059.4(LAMC3):c.3379G>A (p.Glu1127Lys)

Gene: LAMC3 (laminin subunit gamma 3; plus strand). Cytogenetic location: 9q34.12.
Variant type: single nucleotide variant.
Coding change: c.3379G>A on transcript NM_006059.4 (MANE Select); coding-DNA position 3379, G replaced by A.
Protein change: p.Glu1127Lys; replaces glutamic acid 1127 with lysine.
Molecular consequence: missense variant.
Genome position (GRCh38, 1-based): chr9:131,072,797, G>A. VCF-style: chr9-131072797-G-A. GRCh37 (hg19) VCF-style: chr9-133948184-G-A.
Other names: short protein forms E1127K.
Identifiers: ClinVar variation 194959 (VCV000194959.70), dbSNP rs140955110, ClinGen allele CA207151.
Genomic context (GRCh38, chr9:131,072,797, plus strand): 5'-GGATCCCAGAAGACCTGCACCCAGCTGGCAGACCTGGAGGCAGTGCTGGAGTCCTCGGAA[G>A]AGGAGATTCTGCATGCAGCTGCCATTCTCGCGTCTCTGGTATCCCAGGGGACCCCCCTAC-3'
Protein context (NP_006050.3, residues 1117-1137): DLEAVLESSE[Glu1127Lys]EILHAAAILA